The following is an entry in ClinVar:

NM_001174089.2(SLC4A11):c.2602G>A (p.Val868Ile)

Gene: SLC4A11 (solute carrier family 4 member 11; minus strand). Cytogenetic location: 20p13.
Variant type: single nucleotide variant.
Coding change: c.2602G>A on transcript NM_001174089.2 (MANE Select); coding-DNA position 2602, G replaced by A.
Protein change: p.Val868Ile; replaces valine 868 with isoleucine.
Molecular consequence: missense variant. On other transcripts: non-coding transcript variant (1).
Genome position (GRCh38, 1-based): chr20:3,227,813, C>T on the plus strand (G>A on the coding strand, the complement: SLC4A11 is on the minus strand). VCF-style: chr20-3227813-C-T. GRCh37 (hg19) VCF-style: chr20-3208459-C-T.
Other names: c.2731G>A, p.Val911Ile (NM_001174090.2); c.2488G>A, p.Val830Ile (NM_001363745.2); c.2650G>A, p.Val884Ile (NM_032034.4); short protein forms V830I, V868I, V884I, V911I.
Identifiers: ClinVar variation 1370534 (VCV001370534.6), dbSNP rs1217510942, ClinGen allele CA408084282.
Genomic context (GRCh38, chr20:3,227,813, plus strand): 5'-GGCTGGCGAATGGGGCGTGGGCAGGGTCTGCCAGTCAAGGCCTGTGCTCAGCGTCCATGA[C>T]ATCCAAGTACTTGGCTTCAATGATTCGGGGCAGCAGGATATAGCTGTGGGGAGGGAGGGA-3'
Protein context (NP_001167560.1, residues 858-875): PRIIEAKYLD[Val868Ile]MDAEHRP

ClinVar aggregate classification (germline): Uncertain significance (1 of 4 stars; one submission).

Allele frequency attached by ClinVar (database versions not stated): gnomAD 0.00001.

Submission:

Labcorp Genetics (formerly Invitae), Labcorp
Classification: Uncertain significance. Last evaluated: 2024-11-11. Review status: criteria provided, single submitter. Criteria: Invitae Variant Classification Sherloc (09022015). Collection method: clinical testing. Allele origin: germline.
Comment: This sequence change replaces valine, which is neutral and non-polar, with isoleucine, which is neutral and non-polar, at codon 884 of the SLC4A11 protein (p.Val884Ile). This variant is present in population databases (no rsID available, gnomAD 0.007%). This variant has not been reported in the literature in individuals affected with SLC4A11-related conditions. ClinVar contains an entry for this variant (Variation ID: 1370534). Invitae Evidence Modeling of protein sequence and biophysical properties (such as structural, functional, and spatial information, amino acid conservation, physicochemical variation, residue mobility, and thermodynamic stability) indicates that this missense variant is not expected to disrupt SLC4A11 protein function with a negative predictive value of 95%. In summary, the available evidence is currently insufficient to determine the role of this variant in disease. Therefore, it has been classified as a Variant of Uncertain Significance.